The following is an entry in ClinVar:

ClinVar aggregate classification (germline): Uncertain significance (1 of 4 stars; one submission).

Submission:

GeneDx
Classification: Uncertain significance. Last evaluated: 2020-09-18. Review status: criteria provided, single submitter. Criteria: GeneDx Variant Classification Process June 2021. Collection method: clinical testing. Allele origin: germline. Affected: yes.
Comment: Not observed in large population cohorts (Lek et al., 2016); In silico analysis supports that this missense variant has a deleterious effect on protein structure/function; Has not been previously published as pathogenic or benign to our knowledge

NM_001002295.2(GATA3):c.28T>G (p.Trp10Gly)

Gene: GATA3 (GATA binding protein 3; plus strand). Cytogenetic location: 10p14.
Variant type: single nucleotide variant.
Coding change: c.28T>G on transcript NM_001002295.2 (MANE Select); coding-DNA position 28, T replaced by G.
Protein change: p.Trp10Gly; replaces tryptophan 10 with glycine.
Molecular consequence: missense variant.
Genome position (GRCh38, 1-based): chr10:8,055,683, T>G. VCF-style: chr10-8055683-T-G. GRCh37 (hg19) VCF-style: chr10-8097646-T-G.
Other names: c.28T>G, p.Trp10Gly (NM_002051.3); short protein forms W10G.
Identifiers: ClinVar variation 1204906 (VCV001204906.3), dbSNP rs2131482197, ClinGen allele CA375964954.